The following is an entry in ClinVar:

NM_004523.4(KIF11):c.1969A>G (p.Ile657Val)

Gene: KIF11 (kinesin family member 11; plus strand). Cytogenetic location: 10q23.33.
Variant type: single nucleotide variant.
Coding change: c.1969A>G on transcript NM_004523.4 (MANE Select); coding-DNA position 1969, A replaced by G.
Protein change: p.Ile657Val; replaces isoleucine 657 with valine.
Molecular consequence: missense variant.
Genome position (GRCh38, 1-based): chr10:92,637,277, A>G. VCF-style: chr10-92637277-A-G. GRCh37 (hg19) VCF-style: chr10-94397034-A-G.
Other names: short protein forms I657V.
Identifiers: ClinVar variation 4709679 (VCV004709679.1).

ClinVar aggregate classification (germline): Uncertain significance (1 of 4 stars; one submission).

Submission:

Labcorp Genetics (formerly Invitae), Labcorp
Classification: Uncertain significance. Last evaluated: 2025-03-27. Review status: criteria provided, single submitter. Criteria: Invitae Variant Classification Sherloc (09022015). Collection method: clinical testing. Allele origin: germline.
Comment: This sequence change replaces isoleucine, which is neutral and non-polar, with valine, which is neutral and non-polar, at codon 657 of the KIF11 protein (p.Ile657Val). This variant is not present in population databases (gnomAD no frequency). This variant has not been reported in the literature in individuals affected with KIF11-related conditions. Invitae Evidence Modeling of protein sequence and biophysical properties (such as structural, functional, and spatial information, amino acid conservation, physicochemical variation, residue mobility, and thermodynamic stability) indicates that this missense variant is not expected to disrupt KIF11 protein function with a negative predictive value of 95%. In summary, the available evidence is currently insufficient to determine the role of this variant in disease. Therefore, it has been classified as a Variant of Uncertain Significance.